The following is an entry in ClinVar:

NM_002691.4(POLD1):c.1384-10A>C

Gene: POLD1 (DNA polymerase delta 1, catalytic subunit; plus strand). Cytogenetic location: 19q13.33.
Variant type: single nucleotide variant.
Coding change: c.1384-10A>C on transcript NM_002691.4 (MANE Select); 10 bases into the intron before coding-DNA position 1384, A replaced by C.
Molecular consequence: intron variant.
Genome position (GRCh38, 1-based): chr19:50,406,397, A>C. VCF-style: chr19-50406397-A-C. GRCh37 (hg19) VCF-style: chr19-50909654-A-C.
Other names: c.1384-10A>C (NM_001256849.1, NM_001308632.1, NM_002691.2).
Identifiers: ClinVar variation 931289 (VCV000931289.4), dbSNP rs2038883338, ClinGen allele CA916079851.

ClinVar aggregate classification (germline): Uncertain significance. Review status: criteria provided, multiple submitters, no conflicts (2 of 4 stars). 2 submissions from 2 submitters: Uncertain significance (2). Last evaluated 2018-11-07.

Conditions:
Hereditary cancer-predisposing syndrome. Also called: Neoplastic Syndromes, Hereditary; Hereditary Cancer Syndrome; Hereditary neoplastic syndrome; Tumor predisposition. Identifiers: Orphanet 140162, MedGen C0027672, MeSH D009386, MONDO:0015356.
Mandibular hypoplasia-deafness-progeroid syndrome. Also called: Mandibular hypoplasia, deafness, progeroid features, and lipodystrophy syndrome. Identifiers: Orphanet 363649, MedGen C3715192, MONDO:0014157, OMIM 615381.

Submissions (2):

Centre for Mendelian Genomics, University Medical Centre Ljubljana
Classification: Uncertain significance for Mandibular hypoplasia-deafness-progeroid syndrome. Last evaluated: 2018-11-07. Review status: criteria provided, single submitter. Criteria: ACMG Guidelines, 2015. Collection method: clinical testing. Allele origin: unknown. Affected: yes.
Comment: This variant was classified as: Uncertain significance. The available evidence on this variant's pathogenicity is insufficient or conflicting. The following ACMG criteria were applied in classifying this variant: PM2,BP4.

Ambry Genetics
Classification: Uncertain significance for Hereditary cancer-predisposing syndrome. Last evaluated: 2016-10-26. Review status: criteria provided, single submitter. Criteria: Ambry Variant Classification Scheme 2023. Collection method: clinical testing. Allele origin: germline.
Comment: The c.1384-10A>C intronic alteration consists of a A to C substitution 10 nucleotides before coding exon 11 in the POLD1 gene. Based on insufficient or conflicting evidence, the clinical significance of this alteration remains unclear.